The following is an entry in ClinVar:

ClinVar aggregate classification (germline): Uncertain significance (1 of 4 stars; one submission).

Submission:

GeneDx
Classification: Uncertain significance. Last evaluated: 2025-02-07. Review status: criteria provided, single submitter. Criteria: GeneDx Variant Classification Process June 2021. Collection method: clinical testing. Allele origin: germline. Affected: yes.
Comment: Not observed at significant frequency in large population cohorts (gnomAD); In silico analysis indicates that this missense variant does not alter protein structure/function; Has not been previously published as pathogenic or benign to our knowledge

NM_000809.4(GABRA4):c.608C>A (p.Thr203Asn)

Gene: GABRA4 (gamma-aminobutyric acid type A receptor subunit alpha4; minus strand). Cytogenetic location: 4p12.
Variant type: single nucleotide variant.
Coding change: c.608C>A on transcript NM_000809.4 (MANE Select); coding-DNA position 608, C replaced by A.
Protein change: p.Thr203Asn; replaces threonine 203 with asparagine.
Molecular consequence: missense variant.
Genome position (GRCh38, 1-based): chr4:46,974,345, G>T on the plus strand (C>A on the coding strand, the complement: GABRA4 is on the minus strand). VCF-style: chr4-46974345-G-T. GRCh37 (hg19) VCF-style: chr4-46976362-G-T.
Other names: c.551C>A, p.Thr184Asn (NM_001204266.2, NM_001204267.2); short protein forms T184N, T203N.
Identifiers: ClinVar variation 4074699 (VCV004074699.1).